The following is an entry in ClinVar:

ClinVar aggregate classification (germline): Uncertain significance (1 of 4 stars; one submission).

Conditions:
PKD1-related disorder. Also called: PKD1-related condition.

gnomAD v4.1: 17 of 1,585,068 alleles (0.0011%); highest among the groups gnomAD compares: East Asian, 0.0045%; no homozygotes.

Submission:

PreventionGenetics, part of Exact Sciences
Classification: Uncertain significance for PKD1-related condition. Last evaluated: 2026-06-29. Review status: criteria provided, single submitter. Criteria: ACMG Guidelines, 2015. Collection method: clinical testing. Allele origin: germline.
Comment: The PKD1 c.3217G>A variant is predicted to result in the amino acid substitution p.Glu1073Lys. To our knowledge, this variant has not been reported in the literature. This variant is reported in 0.0063% of alleles in individuals of East Asian descent in gnomAD. At this time, the clinical significance of this variant is uncertain due to the absence of conclusive functional and genetic evidence.

NM_001009944.3(PKD1):c.3217G>A (p.Glu1073Lys)

Gene: PKD1 (polycystin 1, transient receptor potential channel interacting; minus strand). Cytogenetic location: 16p13.3.
Variant type: single nucleotide variant.
Coding change: c.3217G>A on transcript NM_001009944.3 (MANE Select); coding-DNA position 3217, G replaced by A.
Protein change: p.Glu1073Lys; replaces glutamic acid 1073 with lysine.
Molecular consequence: missense variant.
Genome position (GRCh38, 1-based): chr16:2,112,418, C>T on the plus strand (G>A on the coding strand, the complement: PKD1 is on the minus strand). VCF-style: chr16-2112418-C-T. GRCh37 (hg19) VCF-style: chr16-2162419-C-T.
Other names: c.3217G>A, p.Glu1073Lys (NM_000296.4); short protein forms E1073K.
Identifiers: ClinVar variation 4984356 (VCV004984356.1).